The following is an entry in ClinVar:

ClinVar aggregate classification (germline): Pathogenic (1 of 4 stars; one submission).

Conditions:
Primary ciliary dyskinesia. Also called: Ciliary dyskinesia. Identifiers: Orphanet 244, MedGen C0008780, MONDO:0016575, HP:0012265.

Submission:

Ambry Genetics
Classification: Pathogenic for Primary ciliary dyskinesia. Last evaluated: 2025-04-24. Review status: criteria provided, single submitter. Criteria: Ambry Variant Classification Scheme 2023. Collection method: clinical testing. Allele origin: germline.
Comment: The c.614delA pathogenic mutation, located in coding exon 6 of the SPAG1 gene, results from a deletion of one nucleotide at nucleotide position 614, causing a translational frameshift with a predicted alternate stop codon (p.K205Rfs*25). This variant is considered to be rare based on population cohorts in the Genome Aggregation Database (gnomAD). This alteration is expected to result in loss of function by premature protein truncation or nonsense-mediated mRNA decay. As such, this alteration is interpreted as a disease-causing mutation.

NM_003114.5(SPAG1):c.614del (p.Lys205fs)

Gene: SPAG1 (sperm associated antigen 1; plus strand). Cytogenetic location: 8q22.2.
Variant type: Deletion.
Coding change: c.614del on transcript NM_003114.5 (MANE Select); coding-DNA position 614, one base deleted (A; older notation c.614delA).
Protein change: p.Lys205fs; shifts the reading frame from lysine 205.
Molecular consequence: frameshift variant.
Genome position (GRCh38, 1-based): chr8:100,184,646, A deleted; the last of 4 consecutive A bases (chr8:100,184,643-100,184,646); deleting any one gives the same sequence. VCF-style (leftmost placement, unchanged base first): chr8-100184642-GA-G. GRCh37 (hg19) VCF-style: chr8-101196870-GA-G.
Other names: c.614del, p.Lys205fs (NM_001374321.1, NM_172218.3); short protein forms K205fs.
Identifiers: ClinVar variation 3960175 (VCV003960175.1).
Genomic context (GRCh38, chr8:100,184,642, plus strand): 5'-CTGTTAAATTATACGTTTACATATAGCAGATAACATTTATTTCTAGGTCTAACTGAGAAA[GA>G]AAAGGATTTTCTTGCCACTCGTGAAAAGGAGAAAGGAAATGAAGCTTTCAACTCAGGAGA-3'